The following is an entry in ClinVar:

NM_001033855.3(DCLRE1C):c.245T>C (p.Ile82Thr)

Gene: DCLRE1C (DNA cross-link repair 1C; minus strand). Cytogenetic location: 10p13.
Variant type: single nucleotide variant.
Coding change: c.245T>C on transcript NM_001033855.3 (MANE Select); coding-DNA position 245, T replaced by C.
Protein change: p.Ile82Thr; replaces isoleucine 82 with threonine.
Molecular consequence: missense variant. On other transcripts: 5 prime UTR variant (8), non-coding transcript variant (4), intron variant (1).
Genome position (GRCh38, 1-based): chr10:14,945,106, A>G on the plus strand (T>C on the coding strand, the complement: DCLRE1C is on the minus strand). VCF-style: chr10-14945106-A-G. GRCh37 (hg19) VCF-style: chr10-14987105-A-G.
Other names: NM_001033855.3(DCLRE1C):c.245T>C; p.Ile82Thr; c.-116T>C (NM_001033857.3, NM_001289077.2, NM_001350967.2); c.-438T>C (NM_001033858.3, NM_001289079.2); c.-45T>C (NM_001289078.2, NM_001350966.2, NM_022487.4); c.245T>C, p.Ile82Thr (NM_001350965.2); c.-44+3930T>C (NM_001289076.2); short protein forms I82T.
Identifiers: ClinVar variation 1434035 (VCV001434035.3), dbSNP rs748686886, ClinGen allele CA5416967.

ClinVar aggregate classification (germline): Uncertain significance. Review status: reviewed by expert panel (3 of 4 stars). 2 submissions from 2 submitters: Uncertain significance (1). 1 of the submissions does not count toward it. Last evaluated 2024-02-15.

Conditions:
Severe combined immunodeficiency due to DCLRE1C deficiency (RS-SCID). Also called: SCID, AUTOSOMAL RECESSIVE, T CELL-NEGATIVE, B CELL-NEGATIVE, NK CELL-POSITIVE, WITH SENSITIVITY TO IONIZING RADIATION. Identifiers: Orphanet 275, MedGen C1865371, MONDO:0011225, OMIM 602450.

Allele frequency attached by ClinVar (database versions not stated): TOPMed below 0.00001; ExAC 0.00001; gnomAD exomes 0.00001.

Submissions (2):

ClinGen Severe Combined Immunodeficiency Variant Curation Expert Panel, ClinGen
Classification: Uncertain significance for Severe combined immunodeficiency due to DCLRE1C deficiency. Last evaluated: 2024-02-15. Review status: reviewed by expert panel. Criteria: ClinGen SCID ACMG Specifications DCLRE1C V1.0.0. Collection method: curation. Allele origin: germline. Inheritance: Autosomal recessive inheritance.
Comment: The c.245T>C (NM_001033855.3) variant in DCLRE1C is a missense variant predicted to cause the substitution of Isoleucine by Threonine at amino acid 82 (p.Ile82Thr). The filtering allele frequency (the upper threshold of the 95% CI of 3/69074 alleles) of the c.245T>C variant in DCLRE1C is 0.00001153 for South Asian chromosomes by gnomAD v4, which is lower than the ClinGen SCID VCEP threshold (<0.00003266) for PM2_Supporting, and therefore meets this criterion (PM2_Supporting). No homozygotes have been observed in gnomAD. Despite a warning showing that this variant is covered in fewer than 50% of individuals in gnomAD v4.0.0 exomes, the frequency on gnomAD v2.1.1 was already lower than the PM2 threshold (0.00001090 in the same population). To our knowledge, this variant has not been reported in the literature in individuals affected with DCLRE1C-related conditions or in functional studies. In summary, this variant meets the criteria to be classified as a variant of uncertain significance for autosomal recessive severe combined immunodeficiency due to DCLRE1C deficiency based on the ACMG/AMP criteria applied, as specified by the ClinGen SCID VCEP. Criteria applied: PM2_Supporting (VCEP specifications version 1.0).

Labcorp Genetics (formerly Invitae), Labcorp
Classification: Uncertain significance for Athabaskan severe combined immunodeficiency. Last evaluated: 2022-08-23. Review status: criteria provided, single submitter. Criteria: Invitae Variant Classification Sherloc (09022015). Collection method: clinical testing. Allele origin: germline. Not counted in ClinVar's aggregate classification.
Comment: This sequence change replaces isoleucine, which is neutral and non-polar, with threonine, which is neutral and polar, at codon 82 of the DCLRE1C protein (p.Ile82Thr). This variant is present in population databases (rs748686886, gnomAD 0.007%). This variant has not been reported in the literature in individuals affected with DCLRE1C-related conditions. ClinVar contains an entry for this variant (Variation ID: 1434035). Algorithms developed to predict the effect of missense changes on protein structure and function (SIFT, PolyPhen-2, Align-GVGD) all suggest that this variant is likely to be tolerated. In summary, the available evidence is currently insufficient to determine the role of this variant in disease. Therefore, it has been classified as a Variant of Uncertain Significance.